The following is an entry in ClinVar:

ClinVar aggregate classification (germline): Uncertain significance (1 of 4 stars; one submission).

Submission:

GeneDx
Classification: Uncertain significance. Last evaluated: 2024-07-30. Review status: criteria provided, single submitter. Criteria: GeneDx Variant Classification Process June 2021. Collection method: clinical testing. Allele origin: germline. Affected: yes.
Comment: Not observed at significant frequency in large population cohorts (gnomAD); In silico analysis indicates that this missense variant does not alter protein structure/function; In silico analysis is inconclusive as to whether the variant alters gene splicing. In the absence of RNA/functional studies, the actual effect of this sequence change is unknown.; Has not been previously published as pathogenic or benign to our knowledge

NM_003660.4(PPFIA3):c.1520G>A (p.Arg507Lys)

Gene: PPFIA3 (PTPRF interacting protein alpha 3; plus strand). Cytogenetic location: 19q13.33.
Variant type: single nucleotide variant.
Coding change: c.1520G>A on transcript NM_003660.4 (MANE Select); coding-DNA position 1520, G replaced by A.
Protein change: p.Arg507Lys; replaces arginine 507 with lysine.
Molecular consequence: missense variant. On other transcripts: non-coding transcript variant (1).
Genome position (GRCh38, 1-based): chr19:49,134,915, G>A. VCF-style: chr19-49134915-G-A. GRCh37 (hg19) VCF-style: chr19-49638172-G-A.
Other names: short protein forms R507K.
Identifiers: ClinVar variation 3602379 (VCV003602379.1).
Genomic context (GRCh38, chr19:49,134,915, plus strand): 5'-TGGAGCGGATGCAGATGGAGATCGACCAGCTGCGGGGGAGGCCACCATCCTCCTACTCCA[G>A]GTGACAGCAGCCCTTCTGCCCTGCCCCCACCATGGAGCCCCGTTGGCCAAGCGCCAAGCT-3'
Protein context (NP_003651.1, residues 497-517): LRGRPPSSYS[Arg507Lys]SLPGSALELR